The following is an entry in ClinVar:

ClinVar aggregate classification (germline): Pathogenic/Likely pathogenic. Review status: criteria provided, multiple submitters, no conflicts (2 of 4 stars). 2 submissions from 2 submitters: Pathogenic (1); Likely pathogenic (1). Last evaluated 2024-04-29.

Conditions:
Hereditary cancer-predisposing syndrome. Also called: Neoplastic Syndromes, Hereditary; Hereditary neoplastic syndrome; Tumor predisposition; Hereditary Cancer Syndrome. Identifiers: Orphanet 140162, MedGen C0027672, MeSH D009386, MONDO:0015356.
Familial cancer of breast. Also called: hereditary breast carcinoma; BREAST CANCER, FAMILIAL; Hereditary breast cancer. Identifiers: Orphanet 227535, MedGen C0346153, MONDO:0016419, OMIM 114480. Disease mechanism: loss of function.

Submissions (2):

Ambry Genetics
Classification: Pathogenic for Hereditary cancer-predisposing syndrome. Last evaluated: 2024-04-29. Review status: criteria provided, single submitter. Criteria: Ambry Variant Classification Scheme 2023. Collection method: clinical testing. Allele origin: germline.
Comment: The c.606delT pathogenic mutation, located in coding exon 4 of the BARD1 gene, results from a deletion of one nucleotide at nucleotide position 606, causing a translational frameshift with a predicted alternate stop codon (p.G203Efs*9). This variant is considered to be rare based on population cohorts in the Genome Aggregation Database (gnomAD). This alteration is expected to result in loss of function by premature protein truncation or nonsense-mediated mRNA decay. As such, this alteration is interpreted as a disease-causing mutation.

Baylor Genetics
Classification: Likely pathogenic for Familial cancer of breast. Last evaluated: 2021-12-28. Review status: criteria provided, single submitter. Criteria: ACMG Guidelines, 2015. Collection method: clinical testing. Allele origin: unknown.

NM_000465.4(BARD1):c.606del (p.Gly203fs)

Gene: BARD1 (BRCA1 associated RING domain 1; minus strand). Cytogenetic location: 2q35.
Variant type: Deletion.
Coding change: c.606del on transcript NM_000465.4 (MANE Select); coding-DNA position 606, one base deleted (T; older notation c.606delT).
Protein change: p.Gly203fs; shifts the reading frame from glycine 203.
Molecular consequence: frameshift variant. On other transcripts: non-coding transcript variant (2), intron variant (3).
Genome position (GRCh38, 1-based): chr2:214,781,268, A deleted on the plus strand (T on the coding strand, the reverse complement: BARD1 is on the minus strand). VCF-style (leftmost placement, unchanged base first): chr2-214781267-CA-C. GRCh37 (hg19) VCF-style: chr2-215645991-CA-C.
Other names: c.549del, p.Gly184fs (NM_001282543.2); c.158+28144del (NM_001282548.2); c.215+15793del (NM_001282545.2); c.364+11029del (NM_001282549.2); c.606delT (NM_000465.2); short protein forms G184fs, G203fs.
Identifiers: ClinVar variation 2679942 (VCV002679942.2), dbSNP rs2469511280, ClinGen allele CA2695197119.